The following is an entry in ClinVar:

NM_006269.2(RP1):c.1474G>A (p.Gly492Arg)

Gene: RP1 (RP1 axonemal microtubule associated; plus strand). Cytogenetic location: 8q12.1.
Variant type: single nucleotide variant.
Coding change: c.1474G>A on transcript NM_006269.2 (MANE Select); coding-DNA position 1474, G replaced by A.
Protein change: p.Gly492Arg; replaces glycine 492 with arginine.
Molecular consequence: missense variant. On other transcripts: intron variant (1).
Genome position (GRCh38, 1-based): chr8:54,625,356, G>A. VCF-style: chr8-54625356-G-A. GRCh37 (hg19) VCF-style: chr8-55537916-G-A.
Other names: c.787+3068G>A (NM_001375654.1); short protein forms G492R.
Identifiers: ClinVar variation 967352 (VCV000967352.11), dbSNP rs561673450, ClinGen allele CA4751381.
Genomic context (GRCh38, chr8:54,625,356, plus strand): 5'-GAAACTGAGGTTCAAGAGAAAATGATTGGACAGTTTTCATATAGTGAAGAAAGGGAAAGT[G>A]GGGAAAACAAGTCTGAGTATCACATGTTTACACATTCTTGCAGTAAAATGTCATCAGTAT-3'
Protein context (NP_006260.1, residues 482-502): QFSYSEERES[Gly492Arg]ENKSEYHMFT

ClinVar aggregate classification (germline): Uncertain significance. Review status: criteria provided, multiple submitters, no conflicts (2 of 4 stars). 2 submissions from 2 submitters: Uncertain significance (2). Last evaluated 2025-07-23.

Allele frequency attached by ClinVar (database versions not stated): TOPMed below 0.00001; gnomAD 0.00001; gnomAD exomes 0.00001 and 0.00003; ExAC 0.00005; 1000 Genomes Project 30x 0.00016; 1000 Genomes Project 0.00020.
gnomAD v4.1: 6 of 1,614,088 alleles (0.00037%); highest among the groups gnomAD compares: East Asian, 0.013%; no homozygotes.

Submissions (2):

Labcorp Genetics (formerly Invitae), Labcorp
Classification: Uncertain significance. Last evaluated: 2025-07-23. Review status: criteria provided, single submitter. Criteria: Invitae Variant Classification Sherloc (09022015). Collection method: clinical testing. Allele origin: germline.
Comment: This sequence change replaces glycine, which is neutral and non-polar, with arginine, which is basic and polar, at codon 492 of the RP1 protein (p.Gly492Arg). This variant is present in population databases (rs561673450, gnomAD 0.03%). This missense change has been observed in individuals with clinical features of retinitis pigmentosa (internal data). ClinVar contains an entry for this variant (Variation ID: 967352). An algorithm developed to predict the effect of missense changes on protein structure and function outputs the following: PolyPhen-2: "Benign". The arginine amino acid residue is found in multiple mammalian species, which suggests that this missense change does not adversely affect protein function. In summary, the available evidence is currently insufficient to determine the role of this variant in disease. Therefore, it has been classified as a Variant of Uncertain Significance.

Blueprint Genetics
Classification: Uncertain significance. Last evaluated: 2022-09-02. Review status: criteria provided, single submitter. Criteria: ACMG Guidelines, 2015. Collection method: clinical testing. Allele origin: germline.